The following is an entry in ClinVar:

NM_012082.4(ZFPM2):c.302-2A>C

Gene: ZFPM2 (zinc finger protein, FOG family member 2; plus strand). Cytogenetic location: 8q23.1.
Variant type: single nucleotide variant.
Coding change: c.302-2A>C on transcript NM_012082.4 (MANE Select); the canonical splice acceptor site of the intron before coding-DNA position 302, A replaced by C.
Molecular consequence: splice acceptor variant.
Genome position (GRCh38, 1-based): chr8:105,561,361, A>C. VCF-style: chr8-105561361-A-C. GRCh37 (hg19) VCF-style: chr8-106573589-A-C.
Other names: c.143-2A>C (NM_001362836.2); c.-95-2A>C (NM_001362837.2).
Identifiers: ClinVar variation 3356187 (VCV003356187.1).

ClinVar aggregate classification (germline): Likely pathogenic (0 of 4 stars; one submission).

Conditions:
ZFPM2-related disorder. Also called: ZFPM2-related condition.

Submission:

PreventionGenetics, part of Exact Sciences
Classification: Likely pathogenic for ZFPM2-related condition. Last evaluated: 2024-09-09. Review status: no assertion criteria provided. Collection method: clinical testing. Allele origin: germline.
Comment: The ZFPM2 c.302-2A>C variant is predicted to disrupt the AG splice acceptor site and interfere with normal splicing. To our knowledge, this variant has not been reported in the literature or in a large population database, indicating this variant is rare. Variants that disrupt the consensus splice acceptor site in ZFPM2 are expected to be pathogenic. This variant is interpreted as likely pathogenic.